The following is an entry in ClinVar:

NM_000301.5(PLG):c.476C>T (p.Pro159Leu)

Gene: PLG (plasminogen; plus strand). Cytogenetic location: 6q26.
Variant type: single nucleotide variant.
Coding change: c.476C>T on transcript NM_000301.5 (MANE Select); coding-DNA position 476, C replaced by T.
Protein change: p.Pro159Leu; replaces proline 159 with leucine.
Molecular consequence: missense variant.
Genome position (GRCh38, 1-based): chr6:160,713,054, C>T. VCF-style: chr6-160713054-C-T. GRCh37 (hg19) VCF-style: chr6-161134086-C-T.
Other names: p.Pro159Leu; short protein forms P159L.
Identifiers: ClinVar variation 2682962 (VCV002682962.4), dbSNP rs201792453, ClinGen allele CA4087452.

ClinVar aggregate classification (germline): Uncertain significance. Review status: criteria provided, multiple submitters, no conflicts (2 of 4 stars). 3 submissions from 3 submitters: Uncertain significance (3). Last evaluated 2025-10-26.

Conditions:
Inborn genetic diseases. Identifiers: MedGen C0950123, MeSH D030342.

Allele frequency attached by ClinVar (database versions not stated): TOPMed 0.00003; 1000 Genomes Project 0.00020; gnomAD 0.00005; 1000 Genomes Project 30x 0.00016; ExAC 0.00005.
gnomAD v4.1: 165 of 1,607,792 alleles (0.01%); highest among the groups gnomAD compares: East Asian, 0.29%; no homozygotes.

Submissions (3):

Labcorp Genetics (formerly Invitae), Labcorp
Classification: Uncertain significance. Last evaluated: 2025-10-26. Review status: criteria provided, single submitter. Criteria: Invitae Variant Classification Sherloc (09022015). Collection method: clinical testing. Allele origin: germline.
Comment: This sequence change replaces proline, which is neutral and non-polar, with leucine, which is neutral and non-polar, at codon 159 of the PLG protein (p.Pro159Leu). This variant is present in population databases (rs201792453, gnomAD 0.03%). This variant has not been reported in the literature in individuals affected with PLG-related conditions. ClinVar contains an entry for this variant (Variation ID: 2682962). An algorithm developed to predict the effect of missense changes on protein structure and function (PolyPhen-2) suggests that this variant is likely to be tolerated. In summary, the available evidence is currently insufficient to determine the role of this variant in disease. Therefore, it has been classified as a Variant of Uncertain Significance.

Ambry Genetics
Classification: Uncertain significance for Inborn genetic diseases. Last evaluated: 2024-03-16. Review status: criteria provided, single submitter. Criteria: Ambry Variant Classification Scheme 2023. Collection method: clinical testing. Allele origin: germline.

Mayo Clinic Laboratories, Mayo Clinic
Classification: Uncertain significance. Last evaluated: 2022-07-07. Review status: criteria provided, single submitter. Criteria: ACMG Guidelines, 2015. Collection method: clinical testing. Allele origin: germline. Observed: 1 variant allele.
Comment: BP4